The following is an entry in ClinVar:

ClinVar aggregate classification (germline): Uncertain significance. Review status: criteria provided, multiple submitters, no conflicts (2 of 4 stars). 4 submissions from 4 submitters: Uncertain significance (4). Last evaluated 2025-02-20.

Conditions:
Hennekam lymphangiectasia-lymphedema syndrome 2 (HKLLS2). Identifiers: Orphanet 2136, MedGen C4014939, MONDO:0014454, OMIM 616006.
Van Maldergem syndrome 2 (VMLDS2). Identifiers: Orphanet 314679, MedGen C3809875, MONDO:0014242, OMIM 615546.
Inborn genetic diseases. Identifiers: MedGen C0950123, MeSH D030342.

Allele frequency attached by ClinVar (database versions not stated): gnomAD exomes 0.00004 and 0.00005; ExAC 0.00005; gnomAD 0.00005 and 0.00006; TOPMed 0.00007.
gnomAD v4.1: 64 of 1,613,702 alleles (0.004%); highest among the groups gnomAD compares: Admixed American, 0.02%; no homozygotes.

Submissions (4):

Ambry Genetics
Classification: Uncertain significance for Inborn genetic diseases. Last evaluated: 2025-02-20. Review status: criteria provided, single submitter. Criteria: Ambry Variant Classification Scheme 2023. Collection method: clinical testing. Allele origin: germline.

Fulgent Genetics
Classification: Uncertain significance for Van Maldergem syndrome 2; Hennekam lymphangiectasia-lymphedema syndrome 2. Last evaluated: 2024-05-28. Review status: criteria provided, single submitter. Criteria: ACMG Guidelines, 2015. Collection method: clinical testing. Allele origin: germline.

GeneDx
Classification: Uncertain significance. Last evaluated: 2023-02-16. Review status: criteria provided, single submitter. Criteria: GeneDx Variant Classification Process June 2021. Collection method: clinical testing. Allele origin: germline. Affected: yes.
Comment: In silico analysis supports that this missense variant has a deleterious effect on protein structure/function; Has not been previously published as pathogenic or benign to our knowledge

Labcorp Genetics (formerly Invitae), Labcorp
Classification: Uncertain significance. Last evaluated: 2022-06-15. Review status: criteria provided, single submitter. Criteria: Invitae Variant Classification Sherloc (09022015). Collection method: clinical testing. Allele origin: germline.
Comment: This sequence change replaces isoleucine, which is neutral and non-polar, with threonine, which is neutral and polar, at codon 2801 of the FAT4 protein (p.Ile2801Thr). This variant is present in population databases (rs745425307, gnomAD 0.03%). This variant has not been reported in the literature in individuals affected with FAT4-related conditions. ClinVar contains an entry for this variant (Variation ID: 1000732). Advanced modeling of protein sequence and biophysical properties (such as structural, functional, and spatial information, amino acid conservation, physicochemical variation, residue mobility, and thermodynamic stability) performed at Invitae indicates that this missense variant is not expected to disrupt FAT4 protein function. In summary, the available evidence is currently insufficient to determine the role of this variant in disease. Therefore, it has been classified as a Variant of Uncertain Significance.

NM_001291303.3(FAT4):c.8408T>C (p.Ile2803Thr)

Gene: FAT4 (FAT atypical cadherin 4; plus strand). Cytogenetic location: 4q28.1.
Variant type: single nucleotide variant.
Coding change: c.8408T>C on transcript NM_001291303.3 (MANE Select); coding-DNA position 8408, T replaced by C.
Protein change: p.Ile2803Thr; replaces isoleucine 2803 with threonine.
Molecular consequence: missense variant.
Genome position (GRCh38, 1-based): chr4:125,449,418, T>C. VCF-style: chr4-125449418-T-C. GRCh37 (hg19) VCF-style: chr4-126370573-T-C.
Other names: c.8408T>C, p.Ile2803Thr (NM_001291285.3); c.8402T>C, p.Ile2801Thr (NM_024582.6); c.8402T>C (NM_024582.4, NM_024582.5); short protein forms I2801T, I2803T.
Identifiers: ClinVar variation 1000732 (VCV001000732.7), dbSNP rs745425307, ClinGen allele CA3073367.